The following is an entry in ClinVar:

ClinVar aggregate classification (germline): Conflicting classifications of pathogenicity. Review status: criteria provided, conflicting classifications (1 of 4 stars). 3 submissions from 3 submitters: Likely pathogenic (2); Uncertain significance (1). Last evaluated 2026-04-14.

Conditions:
Familial intrahepatic cholestasis. Identifiers: Orphanet 284385, MedGen CN296401, MONDO:0017290.
Progressive familial intrahepatic cholestasis type 3. Also called: MDR3 DEFICIENCY; Low Gamma-GT Familial Intrahepatic Cholestasis. Identifiers: Orphanet 79305, MedGen C1865643, MONDO:0011214, OMIM 602347.

Allele frequency attached by ClinVar (database versions not stated): gnomAD exomes below 0.00001.
gnomAD v4.1: 1 of 1,614,260 alleles (0.000062%); highest among the groups gnomAD compares: Non-Finnish European, 0.000085%; no homozygotes.

Submissions (3):

Genomenon, Inc
Classification: Uncertain significance for Familial intrahepatic cholestasis. Last evaluated: 2026-04-14. Review status: criteria provided, single submitter. Criteria: Genomenon Sequence Variant Interpretation Standards - Updated. Collection method: curation. Allele origin: germline. Affected: yes.
Comment: ABCB4 p.Gly1074Arg (c.3220G>A) is a missense variant that changes the amino acid at residue 1074 from Glycine to Arginine. This variant has been observed in at least one proband with an ABCB4-related disorder (PMID:36550572;33215027). It is absent or not present at a significant frequency in gnomAD. In silico models predict that this variant is possibly or probably damaging. In conclusion, we classify ABCB4 p.Gly1074Arg (c.3220G>A) as a variant of uncertain significance.

Rolfs Rare Disease Consulting, Rolfs Consulting Und Verwaltungs GmbH
Classification: Likely pathogenic for Progressive familial intrahepatic cholestasis type 3. Last evaluated: 2020-01-01. Review status: criteria provided, single submitter. Criteria: ACMG Guidelines, 2015. Collection method: clinical testing. Allele origin: germline. Affected: yes.

Lifecell International Pvt. Ltd
Classification: Likely pathogenic for Progressive familial intrahepatic cholestasis type 3. Review status: criteria provided, single submitter. Criteria: ACMG Guidelines, 2015. Collection method: clinical testing. Allele origin: germline. Inheritance: Autosomal recessive inheritance. Affected: yes. Observed: 1 homozygote.
Comment: A Homozygote Missense variant c.3220G>A in Exon 25 of the ABCB4 gene that results in the amino acid substitution p.Gly1074Arg was identified. The observed variant has a maximum allele frequency of 0% in gnomAD exomes and genomes, respectively. The severity of the impact of this variant on the protein is high, based on the effect of the protein and REVEL score. Rare Exome Variant Ensemble Learner (REVEL) is an ensembl method for predicting the pathogenicity of missense variants based on a combination of scores from 13 individual tools: MutPred, FATHMM v2.3, VEST 3.0, PolyPhen-2, SIFT, PROVEAN, MutationAssessor, MutationTaster, LRT, GERP++, SiPhy, phyloP, and phastCons. The REVEL score for an individual missense variant can range from 0 to 1, with higher scores reflecting greater likelihood that the variant is disease-causing. This variant lies in the ATP 2 domain of the protein. This variant has previously been reported for Progressive Familial Intrahepatic Cholestasis by Zhang W, et, al., 2020. Based on the above evidence this variant has been classified as Likely pathogenic according to the ACMG guidelines.

Literature cited by the submitters: PubMed 36550572 (cited by Genomenon, Inc); PubMed 33215027 (cited by Genomenon, Inc and Lifecell International Pvt. Ltd).

NM_000443.4(ABCB4):c.3220G>A (p.Gly1074Arg)

Gene: ABCB4 (ATP binding cassette subfamily B member 4; minus strand). Cytogenetic location: 7q21.12.
Variant type: single nucleotide variant.
Coding change: c.3220G>A on transcript NM_000443.4 (MANE Select); coding-DNA position 3220, G replaced by A.
Protein change: p.Gly1074Arg; replaces glycine 1074 with arginine.
Molecular consequence: missense variant.
Genome position (GRCh38, 1-based): chr7:87,408,096, C>T on the plus strand (G>A on the coding strand, the complement: ABCB4 is on the minus strand). VCF-style: chr7-87408096-C-T. GRCh37 (hg19) VCF-style: chr7-87037412-C-T.
Other names: c.3220G>A, p.Gly1074Arg (NM_018849.3); c.3079G>A, p.Gly1027Arg (NM_018850.3); c.3220G>A (NM_018849.2); short protein forms G1027R, G1074R.
Identifiers: ClinVar variation 2501669 (VCV002501669.3), dbSNP rs2546751311, ClinGen allele CA368059086.